The following is an entry in ClinVar:

ClinVar aggregate classification (germline): Conflicting classifications of pathogenicity. Review status: criteria provided, conflicting classifications (1 of 4 stars). 9 submissions from 9 submitters: Uncertain significance (6); Likely benign (2). 1 of the submissions does not count toward it. Last evaluated 2025-12-20.

Conditions:
Imerslund-Grasbeck syndrome type 1 (IGS1). Also called: Imerslund-Gräsbeck syndrome 1; MEGALOBLASTIC ANEMIA, 1; Megaloblastic anemia 1, Finnish type. Identifiers: MedGen C4016819, MONDO:0100156, OMIM 261100.
CUBN-related disorder. Also called: CUBN-related condition.
Imerslund-Grasbeck syndrome. Also called: Imerslund-Gräsbeck syndrome; Megaloblastic anemia due to inborn errors of metabolism; PERNICIOUS ANEMIA, JUVENILE, DUE TO SELECTIVE INTESTINAL MALABSORPTION OF VITAMIN B12, WITH PROTEINURIA; ENTEROCYTE COBALAMIN MALABSORPTION; ENTEROCYTE INTRINSIC FACTOR RECEPTOR, DEFECT OF. Identifiers: Orphanet 35858, MedGen C4551825, MONDO:0009853.

Allele frequency attached by ClinVar (database versions not stated): 1000 Genomes Project 0.00020; 1000 Genomes Project 30x 0.00031; gnomAD 0.00128 and 0.00133; TOPMed 0.00130; gnomAD exomes 0.00138 and 0.00219; ExAC 0.00154; ESP Exome Variant Server 0.00215.
gnomAD v4.1: 3,363 of 1,613,028 alleles (0.21%); highest among the groups gnomAD compares: Non-Finnish European, 0.27%; 5 homozygotes.

Submissions (9):

Labcorp Genetics (formerly Invitae), Labcorp
Classification: Likely benign for Imerslund-Grasbeck syndrome. Last evaluated: 2025-12-20. Review status: criteria provided, single submitter. Criteria: Invitae Variant Classification Sherloc (09022015). Collection method: clinical testing. Allele origin: germline.

GeneDx
Classification: Uncertain significance. Last evaluated: 2025-08-06. Review status: criteria provided, single submitter. Criteria: GeneDx Variant Classification Process June 2021. Collection method: clinical testing. Allele origin: germline. Affected: yes.
Comment: Identified in a patient with focal and segmental glomerulosclerosis (FSGS) in published literature (PMID: 31308072); Reported previously in an individual with an abnormality of metabolism/homeostasis (PMID: 26633542); In silico analysis supports that this missense variant has a deleterious effect on protein structure/function; This variant is associated with the following publications: (PMID: 34426522, 31308072, 26633542)

Women's Health and Genetics/Laboratory Corporation of America, LabCorp
Classification: Likely benign. Last evaluated: 2025-05-06. Review status: criteria provided, single submitter. Criteria: LabCorp Variant Classification Summary - May 2015. Collection method: clinical testing. Allele origin: germline.
Comment: Variant summary: CUBN c.8894T>C (p.Phe2965Ser) results in a non-conservative amino acid change in the encoded protein sequence. Algorithms developed to predict the effect of missense changes on protein structure and function are either unavailable or do not agree on the potential impact of this missense change. The variant allele was found at a frequency of 0.0014 in 251276 control chromosomes, predominantly at a frequency of 0.0027 within the Non-Finnish European subpopulation in the gnomAD database. The observed variant frequency within Non-Finnish European control individuals in the gnomAD database exceeds the estimated maximal expected allele frequency for a pathogenic variant in CUBN causing Imerslund-Grasbeck Syndrome Type 1 phenotype. c.8894T>C has been observed in individual(s) affected with Focal and segmental glomerulosclerosis (Wang_2019). These report(s) do not provide unequivocal conclusions about association of the variant with Imerslund-Grasbeck Syndrome Type 1. The following publication has been ascertained in the context of this evaluation (PMID: 31308072). ClinVar contains an entry for this variant (Variation ID: 439582). Based on the evidence outlined above, the variant was classified as likely benign.

Blueprint Genetics
Classification: Uncertain significance. Last evaluated: 2024-11-25. Review status: criteria provided, single submitter. Criteria: ACMG Guidelines, 2015. Collection method: clinical testing. Allele origin: germline.

ARUP Laboratories, Molecular Genetics and Genomics, ARUP Laboratories
Classification: Uncertain significance. Last evaluated: 2022-10-19. Review status: criteria provided, single submitter. Criteria: ARUP Molecular Germline Variant Investigation Process 2021. Collection method: clinical testing. Allele origin: germline.
Comment: The CUBN c.8894T>C; p.Phe2965Ser variant (rs117620008), to our knowledge, is not reported in the medical literature associated with disease, but is reported in ClinVar (Variation ID: 439582). This variant is found in the non-Finnish European population with an allele frequency of 0.27% (387/282680 alleles) in the Genome Aggregation Database. The phenylalanine at codon 2965 is highly conserved, and computational analyses are uncertain whether this variant is neutral or deleterious (REVEL: 0.404). Due to limited information, the clinical significance of this variant is uncertain at this time.

PreventionGenetics, part of Exact Sciences
Classification: Uncertain significance for CUBN-related condition. Last evaluated: 2022-09-12. Review status: criteria provided, single submitter. Criteria: ACMG Guidelines, 2015. Collection method: clinical testing. Allele origin: germline.
Comment: The CUBN c.8894T>C variant is predicted to result in the amino acid substitution p.Phe2965Ser. This variant has been reported as “variant likely pathogenic” in a large study of whole-exome sequencing, but the clinical significance was not established with sufficient evidence (Supplemental Table 3 at Retterer et al. 2016. PubMed ID: 26633542). This variant is reported in 0.27% of alleles in individuals of European (Non-Finnish) descent in gnomAD. At this time, the clinical significance of this variant is uncertain due to the absence of conclusive functional and genetic evidence.

CeGaT Center for Human Genetics Tuebingen
Classification: Uncertain significance. Last evaluated: 2022-03-01. Review status: criteria provided, single submitter. Criteria: CeGaT Center For Human Genetics Tuebingen Variant Classification Criteria Version 2. Collection method: clinical testing. Allele origin: germline. Affected: yes. Observed: 1 variant allele.
Comment: CUBN: PM2, PP3

Illumina Laboratory Services, Illumina
Classification: Uncertain significance for Imerslund-Grasbeck syndrome type 1. Last evaluated: 2018-01-12. Review status: criteria provided, single submitter. Criteria: ICSL Variant Classification Criteria 13 December 2019. Collection method: clinical testing. Allele origin: germline.

Bioscientia Institut fuer Medizinische Diagnostik GmbH, Sonic Healthcare
Classification: Uncertain significance for Imerslund-Grasbeck syndrome type 1. Last evaluated: 2019-07-25. Review status: no assertion criteria provided. Collection method: clinical testing. Allele origin: germline. Affected: yes. Not counted in ClinVar's aggregate classification.

Literature cited by the submitters: PubMed 31308072 (cited by Women's Health and Genetics/Laboratory Corporation of America, LabCorp).

NM_001081.4(CUBN):c.8894T>C (p.Phe2965Ser)

Gene: CUBN (cubilin; minus strand). Cytogenetic location: 10p13.
Variant type: single nucleotide variant.
Coding change: c.8894T>C on transcript NM_001081.4 (MANE Select); coding-DNA position 8894, T replaced by C.
Protein change: p.Phe2965Ser; replaces phenylalanine 2965 with serine.
Molecular consequence: missense variant.
Genome position (GRCh38, 1-based): chr10:16,888,428, A>G on the plus strand (T>C on the coding strand, the complement: CUBN is on the minus strand). VCF-style: chr10-16888428-A-G. GRCh37 (hg19) VCF-style: chr10-16930427-A-G.
Other names: short protein forms F2965S.
Identifiers: ClinVar variation 439582 (VCV000439582.53), dbSNP rs117620008, ClinGen allele CA5422883.